The following is an entry in ClinVar:

NM_020843.4(SCAPER):c.2371A>G (p.Lys791Glu)

Gene: SCAPER (S-phase cyclin A associated protein in the ER; minus strand). Cytogenetic location: 15q24.3.
Variant type: single nucleotide variant.
Coding change: c.2371A>G on transcript NM_020843.4 (MANE Select); coding-DNA position 2371, A replaced by G.
Protein change: p.Lys791Glu; replaces lysine 791 with glutamic acid.
Molecular consequence: missense variant. On other transcripts: non-coding transcript variant (1).
Genome position (GRCh38, 1-based): chr15:76,702,879, T>C on the plus strand (A>G on the coding strand, the complement: SCAPER is on the minus strand). VCF-style: chr15-76702879-T-C. GRCh37 (hg19) VCF-style: chr15-76995220-T-C.
Other names: c.2389A>G (NM_001353009.1); c.1633A>G, p.Lys545Glu (NM_001145923.2); c.2389A>G, p.Lys797Glu (NM_001353009.2); c.1969A>G, p.Lys657Glu (NM_001353010.2, NM_001353012.2); c.1987A>G, p.Lys663Glu (NM_001353011.2); short protein forms K797E, K663E, K545E, K657E, K791E.
Identifiers: ClinVar variation 4925965 (VCV004925965.2).
Genomic context (GRCh38, chr15:76,702,879, plus strand): 5'-ATATCATTACAATATTGATATAACAACCTACCAGGACATTGCAGAGAGAACACTGCTTCT[T>C]TCTTTCATAAGGGGTCAGTTTGGGGGCATAATCAGTATTTGCATGTCGCCCACTGCTTAG-3'
Protein context (NP_065894.2, residues 781-801): YAPKLTPYER[Lys791Glu]KQCSLCNVLI

ClinVar aggregate classification (germline): Uncertain significance. Review status: criteria provided, multiple submitters, no conflicts (2 of 4 stars). 2 submissions from 2 submitters: Uncertain significance (2). Last evaluated 2024-10-04.

Conditions:
SCAPER-related disorder. Also called: SCAPER-related condition.

gnomAD v4.1: 23 of 1,609,048 alleles (0.0014%); highest among the groups gnomAD compares: Non-Finnish European, 0.002%; no homozygotes.

Submissions (2):

PreventionGenetics, part of Exact Sciences
Classification: Uncertain significance for SCAPER-related condition. Last evaluated: 2024-10-04. Review status: criteria provided, single submitter. Criteria: ACMG Guidelines, 2015. Collection method: clinical testing. Allele origin: germline.
Comment: The SCAPER c.2389A>G variant is predicted to result in the amino acid substitution p.Lys797Glu. To our knowledge, this variant has not been reported in the literature. This variant is reported in 0.0018% of alleles in individuals of European (Non-Finnish) descent in gnomAD. At this time, the clinical significance of this variant is uncertain due to the absence of conclusive functional and genetic evidence.

Blueprint Genetics
Classification: Uncertain significance. Last evaluated: 2024-02-05. Review status: criteria provided, single submitter. Criteria: ACMG Guidelines, 2015. Collection method: clinical testing. Allele origin: germline.